The following is an entry in ClinVar:

ClinVar aggregate classification (germline): Uncertain significance (1 of 4 stars; one submission).

Conditions:
Rubinstein-Taybi syndrome (RSTS). Identifiers: Orphanet 783, MedGen C0035934, MONDO:0019188.

Submission:

Labcorp Genetics (formerly Invitae), Labcorp
Classification: Uncertain significance for Rubinstein-Taybi syndrome. Last evaluated: 2022-11-04. Review status: criteria provided, single submitter. Criteria: Invitae Variant Classification Sherloc (09022015). Collection method: clinical testing. Allele origin: germline.
Comment: This sequence change replaces threonine, which is neutral and polar, with serine, which is neutral and polar, at codon 1574 of the CREBBP protein (p.Thr1574Ser). This variant is not present in population databases (gnomAD no frequency). This variant has not been reported in the literature in individuals affected with CREBBP-related conditions. Advanced modeling of protein sequence and biophysical properties (such as structural, functional, and spatial information, amino acid conservation, physicochemical variation, residue mobility, and thermodynamic stability) has been performed at Invitae for this missense variant, however the output from this modeling did not meet the statistical confidence thresholds required to predict the impact of this variant on CREBBP protein function. In summary, the available evidence is currently insufficient to determine the role of this variant in disease. Therefore, it has been classified as a Variant of Uncertain Significance.

NM_004380.3(CREBBP):c.4721C>G (p.Thr1574Ser)

Gene: CREBBP (CREB binding lysine acetyltransferase; minus strand). Cytogenetic location: 16p13.3.
Variant type: single nucleotide variant.
Coding change: c.4721C>G on transcript NM_004380.3 (MANE Select); coding-DNA position 4721, C replaced by G.
Protein change: p.Thr1574Ser; replaces threonine 1574 with serine.
Molecular consequence: missense variant.
Genome position (GRCh38, 1-based): chr16:3,736,043, G>C on the plus strand (C>G on the coding strand, the complement: CREBBP is on the minus strand). VCF-style: chr16-3736043-G-C. GRCh37 (hg19) VCF-style: chr16-3786044-G-C.
Other names: c.4607C>G, p.Thr1536Ser (NM_001079846.1); short protein forms T1536S, T1574S.
Identifiers: ClinVar variation 2169709 (VCV002169709.4), dbSNP rs2151327606, ClinGen allele CA394561896.